The following is an entry in ClinVar:

NM_000303.3(PMM2):c.564C>A (p.Asp188Glu)

Gene: PMM2 (phosphomannomutase 2; plus strand). Cytogenetic location: 16p13.2.
Variant type: single nucleotide variant.
Coding change: c.564C>A on transcript NM_000303.3 (MANE Select); coding-DNA position 564, C replaced by A.
Protein change: p.Asp188Glu; replaces aspartic acid 188 with glutamic acid.
Molecular consequence: missense variant.
Genome position (GRCh38, 1-based): chr16:8,813,031, C>A. VCF-style: chr16-8813031-C-A. GRCh37 (hg19) VCF-style: chr16-8906888-C-A.
Other names: short protein forms D188E.
Identifiers: ClinVar variation 2118354 (VCV002118354.4), dbSNP rs2060686207, ClinGen allele CA394697813.

ClinVar aggregate classification (germline): Likely pathogenic (1 of 4 stars; one submission).

Conditions:
PMM2-congenital disorder of glycosylation. Also called: CDG Ia; PMM2-CDG; Congenital disorder of glycosylation, type Ia; JAEKEN SYNDROME; PHOSPHOMANNOMUTASE 2 DEFICIENCY; CARBOHYDRATE-DEFICIENT GLYCOPROTEIN SYNDROME, TYPE Ia. Identifiers: Orphanet 79318, MedGen C0349653, MONDO:0008907, OMIM 212065.

Submission:

Labcorp Genetics (formerly Invitae), Labcorp
Classification: Likely pathogenic for PMM2-congenital disorder of glycosylation. Last evaluated: 2022-03-27. Review status: criteria provided, single submitter. Criteria: Invitae Variant Classification Sherloc (09022015). Collection method: clinical testing. Allele origin: germline.
Comment: In summary, the currently available evidence indicates that the variant is pathogenic, but additional data are needed to prove that conclusively. Therefore, this variant has been classified as Likely Pathogenic. This variant disrupts the p.Asp188 amino acid residue in PMM2. Other variant(s) that disrupt this residue have been determined to be pathogenic (PMID: 9497260, 10386614, 24139637). This suggests that this residue is clinically significant, and that variants that disrupt this residue are likely to be disease-causing. This sequence change replaces aspartic acid, which is acidic and polar, with glutamic acid, which is acidic and polar, at codon 188 of the PMM2 protein (p.Asp188Glu). Advanced modeling of protein sequence and biophysical properties (such as structural, functional, and spatial information, amino acid conservation, physicochemical variation, residue mobility, and thermodynamic stability) performed at Invitae indicates that this missense variant is expected to disrupt PMM2 protein function. This variant has not been reported in the literature in individuals affected with PMM2-related conditions. This variant is not present in population databases (gnomAD no frequency).

Literature cited by the submitters: PubMed 9497260; PubMed 10386614; PubMed 24139637.